The following is an entry in ClinVar:

NM_133259.4(LRPPRC):c.295C>T (p.Arg99Cys)

Gene: LRPPRC (leucine rich pentatricopeptide repeat containing; minus strand). Cytogenetic location: 2p21.
Variant type: single nucleotide variant.
Coding change: c.295C>T on transcript NM_133259.4 (MANE Select); coding-DNA position 295, C replaced by T.
Protein change: p.Arg99Cys; replaces arginine 99 with cysteine.
Molecular consequence: missense variant.
Genome position (GRCh38, 1-based): chr2:43,982,289, G>A on the plus strand (C>T on the coding strand, the complement: LRPPRC is on the minus strand). VCF-style: chr2-43982289-G-A. GRCh37 (hg19) VCF-style: chr2-44209428-G-A.
Other names: short protein forms R99C.
Identifiers: ClinVar variation 1029067 (VCV001029067.6), dbSNP rs771473230, ClinGen allele CA1639418.

ClinVar aggregate classification (germline): Uncertain significance. Review status: criteria provided, multiple submitters, no conflicts (2 of 4 stars). 2 submissions from 2 submitters: Uncertain significance (2). Last evaluated 2022-04-22.

Conditions:
Congenital lactic acidosis, Saguenay-Lac-Saint-Jean type (MC4DN5). Also called: MITOCHONDRIAL COMPLEX IV DEFICIENCY, NUCLEAR TYPE 5; CYTOCHROME c OXIDASE DEFICIENCY, FRENCH CANADIAN TYPE; COX DEFICIENCY, FRENCH CANADIAN TYPE. Identifiers: Orphanet 70472, MedGen C1857355, MONDO:0009069, OMIM 220111.

Allele frequency attached by ClinVar (database versions not stated): gnomAD exomes 0.00004 and 0.00009; TOPMed 0.00006; ExAC 0.00008.
gnomAD v4.1: 68 of 1,583,490 alleles (0.0043%); highest among the groups gnomAD compares: South Asian, 0.034%; no homozygotes.

Submissions (2):

Labcorp Genetics (formerly Invitae), Labcorp
Classification: Uncertain significance. Last evaluated: 2022-04-22. Review status: criteria provided, single submitter. Criteria: Invitae Variant Classification Sherloc (09022015). Collection method: clinical testing. Allele origin: germline.
Comment: This sequence change replaces arginine, which is basic and polar, with cysteine, which is neutral and slightly polar, at codon 99 of the LRPPRC protein (p.Arg99Cys). This variant is present in population databases (rs771473230, gnomAD 0.04%). This variant has not been reported in the literature in individuals affected with LRPPRC-related conditions. ClinVar contains an entry for this variant (Variation ID: 1029067). Algorithms developed to predict the effect of missense changes on protein structure and function are either unavailable or do not agree on the potential impact of this missense change (SIFT: "Deleterious"; PolyPhen-2: "Possibly Damaging"; Align-GVGD: "Class C0"). In summary, the available evidence is currently insufficient to determine the role of this variant in disease. Therefore, it has been classified as a Variant of Uncertain Significance.

Baylor Genetics
Classification: Uncertain significance for Congenital lactic acidosis, Saguenay-Lac-Saint-Jean type. Last evaluated: 2020-05-05. Review status: criteria provided, single submitter. Criteria: ACMG Guidelines, 2015. Collection method: clinical testing. Allele origin: unknown. Affected: yes.
Comment: This variant was determined to be of uncertain significance according to ACMG Guidelines, 2015 [PMID:25741868].